The following is an entry in ClinVar:

NM_001164508.2(NEB):c.22924del (p.Tyr7642fs)

Genes: NEB (nebulin; minus strand), RIF1 (replication timing regulatory factor 1; plus strand). Cytogenetic location: 2q23.3.
Variant type: Deletion.
Coding change: c.22924del on transcript NM_001164508.2 (MANE Select); coding-DNA position 22924, one base deleted (T; older notation c.22924delT).
Protein change: p.Tyr7642fs; shifts the reading frame from tyrosine 7642.
Molecular consequence: frameshift variant.
Genome position (GRCh38, 1-based): chr2:151,514,910, A deleted on the plus strand (T on the coding strand, the reverse complement: NEB is on the minus strand); the first of 2 consecutive A bases (chr2:151,514,910-151,514,911); deleting either gives the same sequence. VCF-style (leftmost placement, unchanged base first): chr2-151514909-TA-T. GRCh37 (hg19) VCF-style: chr2-152371423-TA-T.
Other names: NM_001164508.2:c.22924del; c.22924del, p.Tyr7642fs (NM_001164507.2); c.23029del, p.Tyr7677fs (NM_001271208.2); c.17821del, p.Tyr5941fs (NM_004543.5); short protein forms Y5941fs, Y7642fs, Y7677fs.
Identifiers: ClinVar variation 3776963 (VCV003776963.2).

ClinVar aggregate classification (germline): Pathogenic/Likely pathogenic. Review status: criteria provided, multiple submitters, no conflicts (2 of 4 stars). 2 submissions from 2 submitters: Pathogenic (1); Likely pathogenic (1). Last evaluated 2025-03-03.

Conditions:
Nemaline myopathy 2 (NEM2). Also called: Nemaline myopathy 2, autosomal recessive. Identifiers: MedGen C1850569, MONDO:0009725, OMIM 256030.
Nemaline myopathy. Also called: Myopathies, Nemaline. Identifiers: Orphanet 607, MedGen C0206157, MONDO:0018958.

Submissions (2):

Broad Center for Mendelian Genomics, Broad Institute of MIT and Harvard
Classification: Likely pathogenic for Nemaline myopathy. Last evaluated: 2025-03-03. Review status: criteria provided, single submitter. Criteria: ACMG Guidelines, 2015. Collection method: curation. Allele origin: germline. Inheritance: Autosomal recessive inheritance.
Comment: The p.Tyr7642MetfsTer10 variant in NEB has been reported, in the compound heterozygous state, in one individual with nemaline myopathy (PMID: 28131200), and has been identified in 0.00009% (1/1155306) of European (non-Finnish) chromosomes. Although this variant has been seen in the general population in a heterozygous state, its frequency is low enough to be consistent with a recessive carrier frequency. This variant is predicted to cause a frameshift, which alters the protein‚Äôs amino acid sequence beginning at position 7642 and leads to a premature termination codon 10 amino acids downstream. This alteration is then predicted to lead to a truncated or absent protein. Computational tools also predict a splicing impact, though this information is not predictive enough to determine pathogenicity. This variant is in an in-frame exon and may escape nonsense mediated decay (NMD) and result in a truncated protein. In-frame exon skipping of the NEB gene is an established disease mechanism in autosomal recessive nemaline myopathy. The phenotype of an individual heterozygous for this variant is highly specific for nemaline myopathy based on the presence of nemaline rods on a muscle biopsy consistent with disease (PMID: 28131200). In summary, although additional studies are required to fully establish its clinical significance, this variant is likely pathogenic for autosomal recessive nemaline myopathy. ACMG/AMP Criteria applied: PVS1_strong, PM2_supporting, PP4 (Richards 2015).

Myriad Genetics, Inc.
Classification: Pathogenic for Nemaline myopathy 2. Last evaluated: 2024-01-06. Review status: criteria provided, single submitter. Criteria: Myriad Autosomal Dominant, Autosomal Recessive and X-Linked Classification Criteria (2023). Collection method: clinical testing. Allele origin: unknown.
Comment: NM_001271208.1(NEB):c.23029delT(Y7677Mfs*10) is expected to be pathogenic in the context of NEB-related nemaline myopathy. This variant is predicted to lead to an abnormal or absent protein product due to the creation of a premature termination codon in NEB, a gene where loss-of-function variants are known to be pathogenic. Please note: this variant was assessed in the context of healthy population screening.